The following is an entry in ClinVar:

NM_000052.7(ATP7A):c.82C>T (p.Gln28Ter)

Gene: ATP7A (ATPase copper transporting alpha; plus strand). Cytogenetic location: Xq21.1.
Variant type: single nucleotide variant.
Coding change: c.82C>T on transcript NM_000052.7 (MANE Select); coding-DNA position 82, C replaced by T.
Protein change: p.Gln28Ter; replaces glutamine 28 with a stop codon.
Molecular consequence: nonsense. On other transcripts: non-coding transcript variant (1).
Genome position (GRCh38, 1-based): chrX:77,971,723, C>T. VCF-style: chrX-77971723-C-T. GRCh37 (hg19) VCF-style: chrX-77227220-C-T.
Other names: c.82C>T, p.Gln28Ter (NM_001282224.2); short protein forms Q28*.
Identifiers: ClinVar variation 4814953 (VCV004814953.1).
Genomic context (GRCh38, chrX:77,971,723, plus strand): 5'-AATTCTGTTACCATTTCTGTTGAGGGTATGACTTGCAATTCCTGTGTTTGGACCATTGAG[C>T]AGCAGATTGGAAAAGTGAATGGTGTGCATCACATTAAGGTAAGTTACTCTTTGGAAACTG-3'

ClinVar aggregate classification (germline): Likely pathogenic (1 of 4 stars; one submission).

Conditions:
Menkes kinky-hair syndrome (MNK). Also called: Classic Menkes Disease; Copper transport disease; Menkes Disease. Identifiers: Orphanet 565, MedGen C0022716, MONDO:0010651, OMIM 309400.

Submission:

Natera, Inc.
Classification: Likely pathogenic for Menkes kinky hair syndrome. Last evaluated: 2025-11-10. Review status: criteria provided, single submitter. Criteria: Natera Variant Classification Schema (03/2026). Collection method: clinical testing. Allele origin: germline.
Comment: The c.82C>T variant in ATP7A is a nonsense variant predicted to introduce a stop codon at amino acid 28. This variant is expected to result in nonsense mediated decay, truncation, or a dysfunctional protein product. This variant is rare in the general population with a frequency below the threshold expected for the associated phenotype(s). Given the available evidence, this variant is classified as Likely Pathogenic.